The following is an entry in ClinVar:

NM_001122955.4(BSCL2):c.630G>C (p.Ser210=)

Genes: BSCL2 (BSCL2 lipid droplet biogenesis associated, seipin; minus strand), HNRNPUL2-BSCL2 (HNRNPUL2-BSCL2 readthrough (NMD candidate); minus strand). Cytogenetic location: 11q12.3.
Variant type: single nucleotide variant.
Coding change: c.630G>C on transcript NM_001122955.4 (MANE Select); coding-DNA position 630, G replaced by C.
Protein change: p.Ser210=; no amino-acid change (serine 210 retained).
Molecular consequence: synonymous variant. On other transcripts: non-coding transcript variant (1).
Genome position (GRCh38, 1-based): chr11:62,694,568, C>G on the plus strand (G>C on the coding strand, the complement: BSCL2 is on the minus strand). VCF-style: chr11-62694568-C-G. GRCh37 (hg19) VCF-style: chr11-62462040-C-G.
Other names: c.438G>C, p.Ser146= (NM_001130702.2, NM_032667.6); c.630G>C, p.Ser210= (NM_001386027.1, NM_001386028.1); c.630G>C (NM_001122955.3).
Identifiers: ClinVar variation 1360185 (VCV001360185.8), dbSNP rs150158560, ClinGen allele CA6053516.

ClinVar aggregate classification (germline): Uncertain significance. Review status: criteria provided, single submitter (1 of 4 stars). 2 submissions from 2 submitters: Uncertain significance (1). 1 of the submissions does not count toward it. Last evaluated 2024-11-11.

Conditions:
Charcot-Marie-Tooth disease type 2. Also called: Charcot-Marie-Tooth type 2. Identifiers: Orphanet 64746, MedGen C0270914, MONDO:0018993.
BSCL2-related disorder. Also called: BSCL2-related condition; BSCL2-Related Disorders.

Allele frequency attached by ClinVar (database versions not stated): TOPMed 0.00003; 1000 Genomes Project 0.00020; 1000 Genomes Project 30x 0.00016.
gnomAD v4.1: 30 of 1,613,948 alleles (0.0019%); highest among the groups gnomAD compares: East Asian, 0.067%; no homozygotes.

Submissions (2):

Labcorp Genetics (formerly Invitae), Labcorp
Classification: Uncertain significance for Charcot-Marie-Tooth disease type 2. Last evaluated: 2024-11-11. Review status: criteria provided, single submitter. Criteria: Invitae Variant Classification Sherloc (09022015). Collection method: clinical testing. Allele origin: germline.
Comment: This sequence change affects codon 146 of the BSCL2 mRNA. It is a 'silent' change, meaning that it does not change the encoded amino acid sequence of the BSCL2 protein. This variant also falls at the last nucleotide of exon 4, which is part of the consensus splice site for this exon. This variant is present in population databases (rs150158560, gnomAD 0.1%). This variant has not been reported in the literature in individuals affected with BSCL2-related conditions. ClinVar contains an entry for this variant (Variation ID: 1360185). Variants that disrupt the consensus splice site are a relatively common cause of aberrant splicing (PMID: 17576681, 9536098). Algorithms developed to predict the effect of sequence changes on RNA splicing suggest that this variant is not likely to affect RNA splicing. In summary, the available evidence is currently insufficient to determine the role of this variant in disease. Therefore, it has been classified as a Variant of Uncertain Significance.

PreventionGenetics, part of Exact Sciences
Classification: Likely benign for BSCL2-related condition. Last evaluated: 2023-10-31. Review status: no assertion criteria provided. Collection method: clinical testing. Allele origin: germline. Not counted in ClinVar's aggregate classification.
Comment: This variant is classified as likely benign based on ACMG/AMP sequence variant interpretation guidelines (Richards et al. 2015 PMID: 25741868, with internal and published modifications).

Literature cited by the submitters: PubMed 17576681 (cited by Labcorp Genetics (formerly Invitae), Labcorp); PubMed 9536098 (cited by Labcorp Genetics (formerly Invitae), Labcorp).